The following is an entry in ClinVar:

NM_001184880.2(PCDH19):c.1555C>T (p.Arg519Ter)

Gene: PCDH19 (protocadherin 19; minus strand). Cytogenetic location: Xq22.1.
Variant type: single nucleotide variant.
Coding change: c.1555C>T on transcript NM_001184880.2 (MANE Select); coding-DNA position 1555, C replaced by T.
Protein change: p.Arg519Ter; replaces arginine 519 with a stop codon.
Molecular consequence: nonsense.
Genome position (GRCh38, 1-based): chrX:100,407,043, G>A on the plus strand (C>T on the coding strand, the complement: PCDH19 is on the minus strand). VCF-style: chrX-100407043-G-A. GRCh37 (hg19) VCF-style: chrX-99662041-G-A.
Other names: c.1555C>T, p.Arg519Ter (NM_001105243.2, NM_020766.3); short protein forms R519*.
Identifiers: ClinVar variation 533844 (VCV000533844.7), dbSNP rs1555985105, ClinGen allele CA414002473.
Genomic context (GRCh38, chrX:100,407,043, plus strand): 5'-CGCCGTCCTTGGCCAGCACCTTGAATTCGAACGCCTTGGTCTGCTCGTGGTTAAAGGATC[G>A]CAGCGCGTAGATGTCGCCTGAGTTGGGATTGATGGAGACATAGGTGAAGACAGGCATGTC-3'

ClinVar aggregate classification (germline): Pathogenic (1 of 4 stars; one submission).

Conditions:
Developmental and epileptic encephalopathy, 9 (DEE9). Also called: JUBERG-HELLMAN SYNDROME; PCDH19-Related X-Linked Female-Limited Epilepsy with Mental Retardation; Early infantile epileptic encephalopathy 9; EPILEPSY, FEMALE-RESTRICTED, WITH MENTAL RETARDATION. Identifiers: Orphanet 101039, Orphanet 2076, MedGen C1848137, MONDO:0010246, OMIM 300088. Disease mechanism: loss of function.

Submission:

Labcorp Genetics (formerly Invitae), Labcorp
Classification: Pathogenic for Developmental and epileptic encephalopathy, 9. Last evaluated: 2023-12-02. Review status: criteria provided, single submitter. Criteria: Invitae Variant Classification Sherloc (09022015). Collection method: clinical testing. Allele origin: germline.
Comment: This sequence change creates a premature translational stop signal (p.Arg519*) in the PCDH19 gene. It is expected to result in an absent or disrupted protein product. Loss-of-function variants in PCDH19 are known to be pathogenic (PMID: 21053371). This variant is not present in population databases (gnomAD no frequency). This variant has not been reported in the literature in individuals affected with PCDH19-related conditions. ClinVar contains an entry for this variant (Variation ID: 533844). For these reasons, this variant has been classified as Pathogenic.

Literature cited by the submitters: PubMed 21053371.